The following is an entry in ClinVar:

ClinVar aggregate classification (germline): Uncertain significance. Review status: criteria provided, multiple submitters, no conflicts (2 of 4 stars). 6 submissions from 6 submitters: Uncertain significance (6). Last evaluated 2026-08-31.

Conditions:
Cardiovascular phenotype. Identifiers: MedGen CN230736.
Cardiomyopathy, dilated, with wooly hair, keratoderma, and tooth agenesis. Also called: Cardiomyopathy, dilated, with woolly hair, keratoderma, and tooth agenesis; Erythrokeratodermia-cardiomyopathy syndrome. Identifiers: Orphanet 476096, Orphanet 65282, MedGen C4014393, MONDO:0014355, OMIM 615821.
Arrhythmogenic cardiomyopathy with wooly hair and keratoderma. Also called: PALMOPLANTAR KERATODERMA WITH LEFT VENTRICULAR CARDIOMYOPATHY AND WOOLLY HAIR; Carvajal syndrome; Dilated cardiomyopathy with woolly hair and keratoderma; Arrhythmogenic cardiomyopathy with woolly hair and keratoderma. Identifiers: Orphanet 65282, MedGen C1854063, MONDO:0011581, OMIM 605676.
Keratosis palmoplantaris striata 2. Also called: KERATODERMA, PALMOPLANTAR, STRIATE FORM II; STRIATE PALMOPLANTAR KERATODERMA II; Keratosis palmoplantaris striata II. Identifiers: MedGen C1852127, MONDO:0013034, OMIM 612908.
Arrhythmogenic right ventricular dysplasia 8 (ARVD8). Also called: Arrhythmogenic Right Ventricular Dysplasia/Cardiomyopathy 8; ARRHYTHMOGENIC RIGHT VENTRICULAR CARDIOMYOPATHY 8; ARRHYTHMOGENIC RIGHT VENTRICULAR DYSPLASIA, FAMILIAL, 8. Identifiers: MedGen C1843896, MONDO:0011831, OMIM 607450.
Woolly hair-skin fragility syndrome (WHSF). Identifiers: Orphanet 293165, MedGen C1843292, MONDO:0957307, OMIM 620415.
Lethal acantholytic epidermolysis bullosa (EBLA). Identifiers: Orphanet 158687, MedGen C1864826, MONDO:0012323, OMIM 609638.
Cardiomyopathy (CMYO). Also called: Cardiomyopathies. Identifiers: Orphanet 167848, MedGen C0878544, MONDO:0004994, HP:0001638. Inheritance: Various modes of inheritance.
DSP-related disorder. Also called: DSP-related condition; DSP-related disorders.

Allele frequency attached by ClinVar (database versions not stated): gnomAD exomes below 0.00001; ExAC 0.00002; gnomAD 0.00003; TOPMed 0.00003.
gnomAD v4.1: 10 of 1,614,016 alleles (0.00062%); highest among the groups gnomAD compares: Non-Finnish European, 0.00085%; no homozygotes.

Submissions (6):

PreventionGenetics, part of Exact Sciences
Classification: Uncertain significance for DSP-related condition. Last evaluated: 2026-08-31. Review status: criteria provided, single submitter. Criteria: ACMG Guidelines, 2015. Collection method: clinical testing. Allele origin: germline.
Comment: The DSP c.7075A>G variant is predicted to result in the amino acid substitution p.Ile2359Val. To our knowledge, this variant has not been reported in the literature. This variant is reported in 0.00088% of alleles in individuals of European (Non-Finnish) descent in gnomAD. At this time, the clinical significance of this variant is uncertain due to the absence of conclusive functional and genetic evidence.

Labcorp Genetics (formerly Invitae), Labcorp
Classification: Uncertain significance for Arrhythmogenic cardiomyopathy with wooly hair and keratoderma; Arrhythmogenic right ventricular dysplasia 8. Last evaluated: 2025-02-12. Review status: criteria provided, single submitter. Criteria: Invitae Variant Classification Sherloc (09022015). Collection method: clinical testing. Allele origin: germline.
Comment: This sequence change replaces isoleucine, which is neutral and non-polar, with valine, which is neutral and non-polar, at codon 2359 of the DSP protein (p.Ile2359Val). This variant is present in population databases (rs774087560, gnomAD 0.002%). This variant has not been reported in the literature in individuals affected with DSP-related conditions. ClinVar contains an entry for this variant (Variation ID: 923532). An algorithm developed to predict the effect of missense changes on protein structure and function (PolyPhen-2) suggests that this variant is likely to be disruptive. In summary, the available evidence is currently insufficient to determine the role of this variant in disease. Therefore, it has been classified as a Variant of Uncertain Significance.

Ambry Genetics
Classification: Uncertain significance for Cardiovascular phenotype. Last evaluated: 2024-12-18. Review status: criteria provided, single submitter. Criteria: Ambry Variant Classification Scheme 2023. Collection method: clinical testing. Allele origin: germline.
Comment: The p.I2359V variant (also known as c.7075A>G), located in coding exon 24 of the DSP gene, results from an A to G substitution at nucleotide position 7075. The isoleucine at codon 2359 is replaced by valine, an amino acid with highly similar properties. This amino acid position is well conserved in available vertebrate species. In addition, this alteration is predicted to be tolerated by in silico analysis. Based on the available evidence, the clinical significance of this variant remains unclear.

All of Us Research Program, National Institutes of Health
Classification: Uncertain significance for Arrhythmogenic cardiomyopathy with wooly hair and keratoderma. Last evaluated: 2024-06-09. Review status: criteria provided, single submitter. Criteria: ACMG Guidelines, 2015. Collection method: clinical testing. Allele origin: germline. Inheritance: Autosomal dominant inheritance. Observed: 7 variant alleles, 7 heterozygotes.
Comment: This missense variant replaces isoleucine with valine at codon 2359 of the DSP protein. Computational prediction suggests that this variant may not impact protein structure and function (internally defined REVEL score threshold <= 0.5, PMID: 27666373). To our knowledge, functional studies have not been reported for this variant. This variant has not been reported in individuals affected with DSP-related disorders in the literature. This variant has been identified in 1/251446 chromosomes in the general population by the Genome Aggregation Database (gnomAD). The available evidence is insufficient to determine the role of this variant in disease conclusively. Therefore, this variant is classified as a Variant of Uncertain Significance.

This study involves interpretation of variants in research participants for the purpose of population health screening. Participant phenotype was not available at the time of variant classification. Additional details can be found in publication PMID: 35346344, PMCID: PMC8962531

Color Diagnostics, LLC DBA Color Health
Classification: Uncertain significance for Cardiomyopathy. Last evaluated: 2024-03-06. Review status: criteria provided, single submitter. Criteria: ACMG Guidelines, 2015. Collection method: clinical testing. Allele origin: germline.
Comment: This missense variant replaces isoleucine with valine at codon 2359 of the DSP protein. Computational prediction suggests that this variant may not impact protein structure and function (internally defined REVEL score threshold <= 0.5, PMID: 27666373). To our knowledge, functional studies have not been reported for this variant. This variant has not been reported in individuals affected with DSP-related disorders in the literature. This variant has been identified in 1/251446 chromosomes in the general population by the Genome Aggregation Database (gnomAD). The available evidence is insufficient to determine the role of this variant in disease conclusively. Therefore, this variant is classified as a Variant of Uncertain Significance.

Fulgent Genetics
Classification: Uncertain significance for Arrhythmogenic cardiomyopathy with wooly hair and keratoderma; Arrhythmogenic right ventricular dysplasia 8; Lethal acantholytic epidermolysis bullosa; Keratosis palmoplantaris striata 2; Cardiomyopathy, dilated, with wooly hair, keratoderma, and tooth agenesis. Last evaluated: 2021-09-02. Review status: criteria provided, single submitter. Criteria: ACMG Guidelines, 2015. Collection method: clinical testing. Allele origin: unknown.

NM_004415.4(DSP):c.7075A>G (p.Ile2359Val)

Gene: DSP (desmoplakin; plus strand). Cytogenetic location: 6p24.3.
Variant type: single nucleotide variant.
Coding change: c.7075A>G on transcript NM_004415.4 (MANE Select); coding-DNA position 7075, A replaced by G.
Protein change: p.Ile2359Val; replaces isoleucine 2359 with valine.
Molecular consequence: missense variant.
Genome position (GRCh38, 1-based): chr6:7,584,337, A>G. VCF-style: chr6-7584337-A-G. GRCh37 (hg19) VCF-style: chr6-7584570-A-G.
Other names: c.5278A>G, p.Ile1760Val (NM_001008844.3); c.5746A>G, p.Ile1916Val (NM_001319034.2); c.7075A>G (NM_004415.3); short protein forms I1916V, I2359V, I1760V.
Identifiers: ClinVar variation 923532 (VCV000923532.15), dbSNP rs774087560, ClinGen allele CA049089.